The following is an entry in ClinVar:

ClinVar aggregate classification (germline): Uncertain significance (1 of 4 stars; one submission).

Conditions:
Baller-Gerold syndrome (BGS). Also called: CRANIOSYNOSTOSIS WITH RADIAL DEFECTS. Identifiers: Orphanet 1225, MedGen C0265308, MONDO:0009039, OMIM 218600.

Submission:

Labcorp Genetics (formerly Invitae), Labcorp
Classification: Uncertain significance for Baller-Gerold syndrome. Last evaluated: 2024-06-11. Review status: criteria provided, single submitter. Criteria: Invitae Variant Classification Sherloc (09022015). Collection method: clinical testing. Allele origin: germline.
Comment: This sequence change replaces glutamine, which is neutral and polar, with arginine, which is basic and polar, at codon 28 of the RECQL4 protein (p.Gln28Arg). This variant is not present in population databases (gnomAD no frequency). This variant has not been reported in the literature in individuals affected with RECQL4-related conditions. Experimental studies and prediction algorithms are not available or were not evaluated, and the functional significance of this variant is currently unknown. Algorithms developed to predict the effect of sequence changes on RNA splicing suggest that this variant may disrupt the consensus splice site. In summary, the available evidence is currently insufficient to determine the role of this variant in disease. Therefore, it has been classified as a Variant of Uncertain Significance.

NM_004260.4(RECQL4):c.83A>G (p.Gln28Arg)

Genes: RECQL4 (RecQ like helicase 4; minus strand), LOC130001411 (ATAC-STARR-seq lymphoblastoid silent region 19699; plus strand). Cytogenetic location: 8q24.3.
Variant type: single nucleotide variant.
Coding change: c.83A>G on transcript NM_004260.4 (MANE Select); coding-DNA position 83, A replaced by G.
Protein change: p.Gln28Arg; replaces glutamine 28 with arginine.
Molecular consequence: missense variant. On other transcripts: 5 prime UTR variant (17), non-coding transcript variant (3).
Genome position (GRCh38, 1-based): chr8:144,517,702, T>C on the plus strand (A>G on the coding strand, the complement: RECQL4 is on the minus strand). VCF-style: chr8-144517702-T-C. GRCh37 (hg19) VCF-style: chr8-145743086-T-C.
Other names: c.83A>G, p.Gln28Arg (NM_001413039.1, NM_001413017.1, NM_001413018.1 and 6 more transcripts); c.-959A>G (NM_001413040.1); c.-1116A>G (NM_001413041.1, NM_001413030.1, NM_001413031.1); c.-1054A>G (NM_001413042.1, NM_001413022.1, NM_001413023.1 and 2 more transcripts); c.-1323A>G (NM_001413043.1); c.-703A>G (NM_001413021.1); c.-951A>G (NM_001413024.1); c.-1051A>G (NM_001413027.1); and 4 more; short protein forms Q28R.
Identifiers: ClinVar variation 3656221 (VCV003656221.2).